The following is an entry in ClinVar:

ClinVar aggregate classification (germline): Uncertain significance (1 of 4 stars; one submission).

Conditions:
Hereditary cancer-predisposing syndrome. Also called: Neoplastic Syndromes, Hereditary; Tumor predisposition; Hereditary Cancer Syndrome; Hereditary neoplastic syndrome. Identifiers: Orphanet 140162, MedGen C0027672, MeSH D009386, MONDO:0015356.

Submission:

Ambry Genetics
Classification: Uncertain significance for Hereditary cancer-predisposing syndrome. Last evaluated: 2026-05-28. Review status: criteria provided, single submitter. Criteria: Ambry Variant Classification Scheme 2023. Collection method: clinical testing. Allele origin: germline.
Comment: The c.348_349insG variant, located in coding exon 5 of the POLE gene, results from an insertion of one nucleotide after position 348, causing a translational frameshift with a predicted alternate stop codon (p.S117Vfs*87). This alteration is expected to result in loss of function by premature protein truncation or nonsense-mediated mRNA decay. Although biallelic loss of function of POLE has been associated with autosomal recessive POLE deficiency, haploinsufficiency of POLE has not been established as a mechanism of disease for POLE-related polymerase proofreading-associated polyposis (PPAP) and POLE-related CMMRD-like syndrome. Based on the supporting evidence, this variant is expected to be causative of POLE deficiency when present along with a second pathogenic variant on the other allele; however, its clinical significance for PPAP and POLE-related CMMRD-like syndrome is unclear.

NM_006231.4(POLE):c.348_349insG (p.Ser117fs)

Gene: POLE (DNA polymerase epsilon, catalytic subunit; minus strand). Cytogenetic location: 12q24.33.
Variant type: Insertion.
Coding change: c.348_349insG on transcript NM_006231.4 (MANE Select); coding-DNA positions 348 to 349, G inserted.
Protein change: p.Ser117fs; shifts the reading frame from serine 117.
Molecular consequence: frameshift variant.
Genome position: GRCh38 VCF-style: chr12-132680028-A-AC. GRCh37 (hg19) VCF-style: chr12-133256614-A-AC.
Other names: short protein forms S117fs.
Identifiers: ClinVar variation 4862335 (VCV004862335.1).